The following is an entry in ClinVar:

NM_004006.3(DMD):c.199G>A (p.Gly67Arg)

Gene: DMD (dystrophin; minus strand). Cytogenetic location: Xp21.1.
Variant type: single nucleotide variant.
Coding change: c.199G>A on transcript NM_004006.3 (MANE Select); coding-DNA position 199, G replaced by A.
Protein change: p.Gly67Arg; replaces glycine 67 with arginine.
Molecular consequence: missense variant. On other transcripts: 5 prime UTR variant (1).
Genome position (GRCh38, 1-based): chrX:32,844,848, C>T on the plus strand (G>A on the coding strand, the complement: DMD is on the minus strand). VCF-style: chrX-32844848-C-T. GRCh37 (hg19) VCF-style: chrX-32862965-C-T.
Other names: c.175G>A, p.Gly59Arg (NM_000109.4); c.187G>A, p.Gly63Arg (NM_004009.3); c.-171G>A (NM_004010.3); c.199G>A (NM_004006.2); short protein forms G59R, G63R, G67R.
Identifiers: ClinVar variation 1418626 (VCV001418626.9), dbSNP rs398123871, ClinGen allele CA412674768.
Genomic context (GRCh38, chrX:32,844,848, plus strand): 5'-TGTTCTGCAAAACCCGCAGTGCCTTGTTGACATTGTTCAGGGCATGAACTCTTGTGGATC[C>T]TTTTTCTTTTGGCTGAGAACAAAACAAAAGAGTGTTCACTGACCAGCAGAGAGACCGACA-3'
Protein context (NP_003997.2, residues 57-77): LTGQKLPKEK[Gly67Arg]STRVHALNNV

ClinVar aggregate classification (germline): Uncertain significance. Review status: criteria provided, multiple submitters, no conflicts (2 of 4 stars). 3 submissions from 3 submitters: Uncertain significance (3). Last evaluated 2024-11-11.

Conditions:
Duchenne muscular dystrophy (DMD). Also called: MUSCULAR DYSTROPHY, PSEUDOHYPERTROPHIC PROGRESSIVE, DUCHENNE TYPE; Duchenne Muscular Dystrophy (DMD). Identifiers: Orphanet 98896, MedGen C0013264, MONDO:0010679, OMIM 310200.
Cardiovascular phenotype. Identifiers: MedGen CN230736.

Allele frequency attached by ClinVar (database versions not stated): gnomAD exomes below 0.00001.
gnomAD v4.1: 3 of 1,210,307 alleles (0.00025%); highest among the groups gnomAD compares: South Asian, 0.0018%; no homozygotes.

Submissions (3):

Labcorp Genetics (formerly Invitae), Labcorp
Classification: Uncertain significance for Duchenne muscular dystrophy. Last evaluated: 2024-11-11. Review status: criteria provided, single submitter. Criteria: Invitae Variant Classification Sherloc (09022015). Collection method: clinical testing. Allele origin: germline.
Comment: This sequence change replaces glycine, which is neutral and non-polar, with arginine, which is basic and polar, at codon 67 of the DMD protein (p.Gly67Arg). This variant is not present in population databases (gnomAD no frequency). This variant has not been reported in the literature in individuals affected with DMD-related conditions. ClinVar contains an entry for this variant (Variation ID: 1418626). Invitae Evidence Modeling of protein sequence and biophysical properties (such as structural, functional, and spatial information, amino acid conservation, physicochemical variation, residue mobility, and thermodynamic stability) has been performed for this missense variant. However, the output from this modeling did not meet the statistical confidence thresholds required to predict the impact of this variant on DMD protein function. In summary, the available evidence is currently insufficient to determine the role of this variant in disease. Therefore, it has been classified as a Variant of Uncertain Significance.

Ambry Genetics
Classification: Uncertain significance for Cardiovascular phenotype. Last evaluated: 2024-04-01. Review status: criteria provided, single submitter. Criteria: Ambry Variant Classification Scheme 2023. Collection method: clinical testing. Allele origin: germline.
Comment: The p.G67R variant (also known as c.199G>A), located in coding exon 4 of the DMD gene, results from a G to A substitution at nucleotide position 199. The glycine at codon 67 is replaced by arginine, an amino acid with dissimilar properties. This amino acid position is highly conserved in available vertebrate species. In addition, this alteration is predicted to be deleterious by in silico analysis. Based on the available evidence, the clinical significance of this alteration remains unclear.

Women's Health and Genetics/Laboratory Corporation of America, LabCorp
Classification: Uncertain significance. Last evaluated: 2024-03-11. Review status: criteria provided, single submitter. Criteria: LabCorp Variant Classification Summary - May 2015. Collection method: clinical testing. Allele origin: germline.